The following is an entry in ClinVar:

NM_012308.3(KDM2A):c.1571T>G (p.Phe524Cys)

Gene: KDM2A (lysine demethylase 2A; plus strand). Cytogenetic location: 11q13.2.
Variant type: single nucleotide variant.
Coding change: c.1571T>G on transcript NM_012308.3 (MANE Select); coding-DNA position 1571, T replaced by G.
Protein change: p.Phe524Cys; replaces phenylalanine 524 with cysteine.
Molecular consequence: missense variant. On other transcripts: non-coding transcript variant (1).
Genome position (GRCh38, 1-based): chr11:67,245,196, T>G. VCF-style: chr11-67245196-T-G. GRCh37 (hg19) VCF-style: chr11-67012667-T-G.
Other names: c.254T>G, p.Phe85Cys (NM_001256405.2); short protein forms F524C, F85C.
Identifiers: ClinVar variation 3778812 (VCV003778812.1).

ClinVar aggregate classification (germline): Uncertain significance (1 of 4 stars; one submission).

Conditions:
KDM2A-related neurodevelopmental disorder.

Submission:

Institute of Human Genetics, University of Leipzig Medical Center
Classification: Uncertain significance for KDM2A-related neurodevelopmental disorder. Last evaluated: 2025-01-20. Review status: criteria provided, single submitter. Criteria: ACMG Guidelines, 2015. Collection method: research. Allele origin: de novo. Inheritance: Autosomal dominant inheritance. Affected: yes.
Comment: Criteria applied: PS2_MOD, PM2, PP2. Due to the de novo status of the variant in addition to a fitting clinical overlap to other individuals with the same condition, this variant is deemed causative despite being classified as uncertain.

Literature cited by the submitters: DOI 10.1101/2025.03.31.25324695.